The following is an entry in ClinVar:

ClinVar aggregate classification (germline): Uncertain significance (0 of 4 stars; one submission).

Conditions:
KRT5-related disorder. Also called: KRT5-related condition.

Submission:

PreventionGenetics, part of Exact Sciences
Classification: Uncertain significance for KRT5-related condition. Last evaluated: 2024-03-08. Review status: no assertion criteria provided. Collection method: clinical testing. Allele origin: germline.
Comment: The KRT5 c.1474+5G>A variant is predicted to interfere with splicing. Based on available splicing prediction programs (Alamut Visual v1.6.1; SpliceAI, Jaganathan et al. 2019. PubMed ID: 30661751), this variant is predicted to abolish the canonical splice donor site; however, the use of computer prediction programs is not equivalent to functional evidence. To our knowledge, this variant has not been reported in the literature or in a large population database, indicating this variant is rare. At this time, the clinical significance of this variant is uncertain due to the absence of conclusive functional and genetic evidence.

NM_000424.4(KRT5):c.1474+5G>A

Gene: KRT5 (keratin 5; minus strand). Cytogenetic location: 12q13.13.
Variant type: single nucleotide variant.
Coding change: c.1474+5G>A on transcript NM_000424.4 (MANE Select); 5 bases into the intron after coding-DNA position 1474, G replaced by A.
Molecular consequence: intron variant.
Genome position (GRCh38, 1-based): chr12:52,515,793, C>T on the plus strand (G>A on the coding strand, the complement: KRT5 is on the minus strand). VCF-style: chr12-52515793-C-T. GRCh37 (hg19) VCF-style: chr12-52909577-C-T.
Identifiers: ClinVar variation 3348617 (VCV003348617.1).